The following is an entry in ClinVar:

ClinVar aggregate classification (germline): Uncertain significance (1 of 4 stars; one submission).

Allele frequency attached by ClinVar (database versions not stated): TOPMed 0.00003; ExAC 0.00001.
gnomAD v4.1: 10 of 1,207,575 alleles (0.00083%); highest among the groups gnomAD compares: African/African-American, 0.0035%; no homozygotes.

Submission:

Ambry Genetics
Classification: Uncertain significance. Last evaluated: 2025-11-13. Review status: criteria provided, single submitter. Criteria: Ambry Variant Classification Scheme 2023. Collection method: clinical testing. Allele origin: germline.
Comment: The c.2092G>A (p.G698S) alteration is located in exon 17 (coding exon 16) of the ZNF280C gene. This alteration results from a G to A substitution at nucleotide position 2092, causing the glycine (G) at amino acid position 698 to be replaced by a serine (S). Based on data from gnomAD, the A allele has an overall frequency of 0.001% (1/180375) total alleles studied. The highest observed frequency was 0.004% (1/26650) of Latino alleles. Based on insufficient or conflicting evidence, the clinical significance of this alteration remains unclear.

NM_017666.5(ZNF280C):c.2092G>A (p.Gly698Ser)

Gene: ZNF280C (zinc finger protein 280C; minus strand). Cytogenetic location: Xq26.1.
Variant type: single nucleotide variant.
Coding change: c.2092G>A on transcript NM_017666.5 (MANE Select); coding-DNA position 2092, G replaced by A.
Protein change: p.Gly698Ser; replaces glycine 698 with serine.
Molecular consequence: missense variant.
Genome position (GRCh38, 1-based): chrX:130,205,366, C>T on the plus strand (G>A on the coding strand, the complement: ZNF280C is on the minus strand). VCF-style: chrX-130205366-C-T. GRCh37 (hg19) VCF-style: chrX-129339340-C-T.
Other names: short protein forms G698S.
Identifiers: ClinVar variation 2472651 (VCV002472651.3), dbSNP rs778134912, ClinGen allele CA10515708.